The following is an entry in ClinVar:

NM_000138.5(FBN1):c.3160A>G (p.Arg1054Gly)

Gene: FBN1 (fibrillin 1; minus strand). Cytogenetic location: 15q21.1.
Variant type: single nucleotide variant.
Coding change: c.3160A>G on transcript NM_000138.5 (MANE Select); coding-DNA position 3160, A replaced by G.
Protein change: p.Arg1054Gly; replaces arginine 1054 with glycine.
Molecular consequence: missense variant.
Genome position (GRCh38, 1-based): chr15:48,488,416, T>C on the plus strand (A>G on the coding strand, the complement: FBN1 is on the minus strand). VCF-style: chr15-48488416-T-C. GRCh37 (hg19) VCF-style: chr15-48780613-T-C.
Other names: short protein forms R1054G.
Identifiers: ClinVar variation 927045 (VCV000927045.5), dbSNP rs2043528343, ClinGen allele CA392328035.

ClinVar aggregate classification (germline): Uncertain significance (1 of 4 stars; one submission).

Conditions:
Familial thoracic aortic aneurysm and aortic dissection (TAAD). Also called: Thoracic aortic aneurysms and dissections. Identifiers: Orphanet 91387, MedGen C4707243, MONDO:0019625.

Submission:

Color Diagnostics, LLC DBA Color Health
Classification: Uncertain significance for Familial thoracic aortic aneurysm and aortic dissection. Last evaluated: 2023-12-04. Review status: criteria provided, single submitter. Criteria: ACMG Guidelines, 2015. Collection method: clinical testing. Allele origin: germline.
Comment: This missense variant replaces arginine with glycine at codon 1054 of the FBN1 protein. Computational prediction tools and conservation analyses are inconclusive regarding the impact of this variant on the protein function. Computational splicing tools suggest that this variant may not impact RNA splicing. To our knowledge, functional assays have not been performed for this variant nor has this variant been reported in individuals affected with cardiovascular disorders in the literature. This variant has not been identified in the general population by the Genome Aggregation Database (gnomAD). Available evidence is insufficient to determine the role of this variant in disease conclusively. Therefore, this variant is classified as a Variant of Uncertain Significance.